The following is an entry in ClinVar:

ClinVar aggregate classification (germline): Uncertain significance (1 of 4 stars; one submission).

Submission:

GeneDx
Classification: Uncertain significance. Last evaluated: 2021-10-18. Review status: criteria provided, single submitter. Criteria: GeneDx Variant Classification Process June 2021. Collection method: clinical testing. Allele origin: germline. Affected: yes.
Comment: Not observed at significant frequency in large population cohorts (Lek et al., 2016); In silico analysis, which includes protein predictors and evolutionary conservation, supports a deleterious effect; Has not been previously published as pathogenic or benign to our knowledge

NM_000052.7(ATP7A):c.1570A>G (p.Met524Val)

Gene: ATP7A (ATPase copper transporting alpha; plus strand). Cytogenetic location: Xq21.1.
Variant type: single nucleotide variant.
Coding change: c.1570A>G on transcript NM_000052.7 (MANE Select); coding-DNA position 1570, A replaced by G.
Protein change: p.Met524Val; replaces methionine 524 with valine.
Molecular consequence: missense variant.
Genome position (GRCh38, 1-based): chrX:78,003,099, A>G. VCF-style: chrX-78003099-A-G. GRCh37 (hg19) VCF-style: chrX-77258596-A-G.
Other names: c.1570A>G, p.Met524Val (NM_001282224.2); short protein forms M524V.
Identifiers: ClinVar variation 1308822 (VCV001308822.2), dbSNP rs2149090232, ClinGen allele CA413595223.